The following is an entry in ClinVar:

ClinVar aggregate classification (germline): Uncertain significance. Review status: criteria provided, multiple submitters, no conflicts (2 of 4 stars). 2 submissions from 2 submitters: Uncertain significance (2). Last evaluated 2025-11-03.

Conditions:
Cystic fibrosis (CF). Also called: MUCOVISCIDOSIS. Identifiers: Orphanet 586, MedGen C0010674, MONDO:0009061, OMIM 219700. Disease mechanism: loss of function.

Allele frequency attached by ClinVar (database versions not stated): ExAC 0.00001; gnomAD 0.00002; gnomAD exomes below 0.00001; TOPMed 0.00002.
gnomAD v4.1: 4 of 1,613,906 alleles (0.00025%); highest among the groups gnomAD compares: African/African-American, 0.004%; no homozygotes.

Submissions (2):

Ambry Genetics
Classification: Uncertain significance for Cystic fibrosis. Last evaluated: 2025-11-03. Review status: criteria provided, single submitter. Criteria: Ambry Variant Classification Scheme 2023. Collection method: clinical testing. Allele origin: germline.
Comment: The p.D1370H variant (also known as c.4108G>C), located in coding exon 25 of the CFTR gene, results from a G to C substitution at nucleotide position 4108. The aspartic acid at codon 1370 is replaced by histidine, an amino acid with similar properties. This amino acid position is highly conserved in available vertebrate species. In addition, this alteration is predicted to be deleterious by in silico analysis. Based on the available evidence, the clinical significance of this variant remains unclear.

ARUP Laboratories, Molecular Genetics and Genomics, ARUP Laboratories
Classification: Uncertain significance. Last evaluated: 2024-09-25. Review status: criteria provided, single submitter. Criteria: ARUP Molecular Germline Variant Investigation Process 2024. Collection method: clinical testing. Allele origin: germline.
Comment: The CFTR c.4108G>C; p.Asp1370His variant (rs760336091, ClinVar Variation ID 2561388) is reported in one individual with recurrent upper respiratory tract infections (Similuk 2022). This variant is only observed on one allele in the Genome Aggregation Database (v2.1.1), indicating it is not a common polymorphism. Computational analyses predict that this variant is deleterious (REVEL: 0.961). Due to limited information, the clinical significance of this variant is uncertain at this time. References: Similuk MN et al. Clinical exome sequencing of 1000 families with complex immune phenotypes: Toward comprehensive genomic evaluations. J Allergy Clin Immunol. 2022 Oct. PMID: 35753512.

NM_000492.4(CFTR):c.4108G>C (p.Asp1370His)

Gene: CFTR (CF transmembrane conductance regulator; plus strand). Cytogenetic location: 7q31.2.
Variant type: single nucleotide variant.
Coding change: c.4108G>C on transcript NM_000492.4 (MANE Select); coding-DNA position 4108, G replaced by C.
Protein change: p.Asp1370His; replaces aspartic acid 1370 with histidine.
Molecular consequence: missense variant.
Genome position (GRCh38, 1-based): chr7:117,664,832, G>C. VCF-style: chr7-117664832-G-C. GRCh37 (hg19) VCF-style: chr7-117304886-G-C.
Other names: short protein forms D1370H.
Identifiers: ClinVar variation 2561388 (VCV002561388.4), dbSNP rs760336091, ClinGen allele CA4451633.